The following is an entry in ClinVar:

NM_002227.4(JAK1):c.2390A>G (p.Lys797Arg)

Gene: JAK1 (Janus kinase 1; minus strand). Cytogenetic location: 1p31.3.
Variant type: single nucleotide variant.
Coding change: c.2390A>G on transcript NM_002227.4 (MANE Select); coding-DNA position 2390, A replaced by G.
Protein change: p.Lys797Arg; replaces lysine 797 with arginine.
Molecular consequence: missense variant.
Genome position (GRCh38, 1-based): chr1:64,844,077, T>C on the plus strand (A>G on the coding strand, the complement: JAK1 is on the minus strand). VCF-style: chr1-64844077-T-C. GRCh37 (hg19) VCF-style: chr1-65309760-T-C.
Other names: c.2390A>G, p.Lys797Arg (NM_001320923.2, NM_001321852.2, NM_001321853.2 and 3 more transcripts); c.2387A>G, p.Lys796Arg (NM_001321857.2); short protein forms K796R, K797R.
Identifiers: ClinVar variation 2778612 (VCV002778612.3), dbSNP rs1356522608, ClinGen allele CA340666528.

ClinVar aggregate classification (germline): Uncertain significance (1 of 4 stars; one submission).

Allele frequency attached by ClinVar (database versions not stated): gnomAD 0.00001; gnomAD exomes 0.00001; TOPMed 0.00001.
gnomAD v4.1: 6 of 1,614,022 alleles (0.00037%); highest among the groups gnomAD compares: Admixed American, 0.01%; no homozygotes.

Submission:

Labcorp Genetics (formerly Invitae), Labcorp
Classification: Uncertain significance. Last evaluated: 2024-03-16. Review status: criteria provided, single submitter. Criteria: Invitae Variant Classification Sherloc (09022015). Collection method: clinical testing. Allele origin: germline.
Comment: This sequence change replaces lysine, which is basic and polar, with arginine, which is basic and polar, at codon 797 of the JAK1 protein (p.Lys797Arg). This variant is present in population databases (no rsID available, gnomAD 0.01%). This variant has not been reported in the literature in individuals affected with JAK1-related conditions. Advanced modeling of protein sequence and biophysical properties (such as structural, functional, and spatial information, amino acid conservation, physicochemical variation, residue mobility, and thermodynamic stability) performed at Invitae indicates that this missense variant is not expected to disrupt JAK1 protein function with a negative predictive value of 80%. In summary, the available evidence is currently insufficient to determine the role of this variant in disease. Therefore, it has been classified as a Variant of Uncertain Significance.